The following is an entry in ClinVar:

NM_001130009.3(GEN1):c.1293T>A (p.His431Gln)

Gene: GEN1 (GEN1 structure-specific endonuclease; plus strand). Cytogenetic location: 2p24.2.
Variant type: single nucleotide variant.
Coding change: c.1293T>A on transcript NM_001130009.3 (MANE Select); coding-DNA position 1293, T replaced by A.
Protein change: p.His431Gln; replaces histidine 431 with glutamine.
Molecular consequence: missense variant.
Genome position (GRCh38, 1-based): chr2:17,780,006, T>A. VCF-style: chr2-17780006-T-A. GRCh37 (hg19) VCF-style: chr2-17961273-T-A.
Other names: c.1293T>A, p.His431Gln (NM_182625.5); short protein forms H431Q.
Identifiers: ClinVar variation 4857942 (VCV004857942.1).

ClinVar aggregate classification (germline): Uncertain significance (1 of 4 stars; one submission).

gnomAD v4.1: 1 of 1,601,044 alleles (0.000062%); highest among the groups gnomAD compares: South Asian, 0.0011%; no homozygotes.

Submission:

Ambry Genetics
Classification: Uncertain significance. Last evaluated: 2026-03-21. Review status: criteria provided, single submitter. Criteria: Ambry Variant Classification Scheme 2023. Collection method: clinical testing. Allele origin: germline.
Comment: The p.H431Q variant (also known as c.1293T>A), located in coding exon 12 of the GEN1 gene, results from a T to A substitution at nucleotide position 1293. The histidine at codon 431 is replaced by glutamine, an amino acid with highly similar properties. This amino acid position is conserved. In addition, this alteration is predicted to be tolerated by in silico analysis. Based on the available evidence, the clinical significance of this variant remains unclear.